The following is an entry in ClinVar:

NM_002108.4(HAL):c.1315G>A (p.Val439Ile)

Gene: HAL (histidine ammonia-lyase; minus strand). Cytogenetic location: 12q23.1.
Variant type: single nucleotide variant.
Coding change: c.1315G>A on transcript NM_002108.4 (MANE Select); coding-DNA position 1315, G replaced by A.
Protein change: p.Val439Ile; replaces valine 439 with isoleucine.
Molecular consequence: missense variant.
Genome position (GRCh38, 1-based): chr12:95,980,836, C>T on the plus strand (G>A on the coding strand, the complement: HAL is on the minus strand). VCF-style: chr12-95980836-C-T. GRCh37 (hg19) VCF-style: chr12-96374614-C-T.
Other names: c.691G>A, p.Val231Ile (NM_001258333.2); c.1315G>A, p.Val439Ile (NM_001258334.2); short protein forms V439I, V231I.
Identifiers: ClinVar variation 310710 (VCV000310710.8), dbSNP rs7297245, ClinGen allele CA6727622.
Genomic context (GRCh38, chr12:95,980,836, plus strand): 5'-GGAGCAGTTTTAAAAAGCTTACTTTGGCTGGGTATTCACCATGGAAGTTTCCTCCAGAAA[C>T]TGTCTCTCCCCTATTGGCAAAGACCATCTTTCAAAAGAGGTTAAGGCTTGAAGATAATGT-3'
Protein context (NP_002099.1, residues 429-449): PMVFANRGET[Val439Ile]SGGNFHGEYP

ClinVar aggregate classification (germline): Benign. Review status: criteria provided, multiple submitters, no conflicts (2 of 4 stars). 3 submissions from 3 submitters: Benign (2). 1 of the submissions does not count toward it. Last evaluated 2018-01-12.

Conditions:
HAL-related disorder. Also called: HAL-related condition.
Histidinemia. Also called: Hyperhistidinemia; Deficiency of histidine ammonia-lyase; HAL DEFICIENCY; HIS DEFICIENCY; HISTIDASE DEFICIENCY; HISTIDINE AMMONIA-LYASE DEFICIENCY. Identifiers: Orphanet 2157, MedGen C0220992, MONDO:0009345, OMIM 235800, HP:0010906.

Allele frequency attached by ClinVar (database versions not stated): gnomAD exomes 0.80047 and 0.84685; ESP Exome Variant Server 0.84284; ExAC 0.84683; gnomAD 0.85575 and 0.85681; TOPMed 0.86257; 1000 Genomes Project 0.91114; 1000 Genomes Project 30x 0.91224.
gnomAD v4.1: 1,272,824 of 1,578,340 alleles (81%); highest among the groups gnomAD compares: African/African-American, 96%; 516,672 homozygotes.

Submissions (3):

Illumina Laboratory Services, Illumina
Classification: Benign for Histidinemia. Last evaluated: 2018-01-12. Review status: criteria provided, single submitter. Criteria: ICSL Variant Classification Criteria 13 December 2019. Collection method: clinical testing. Allele origin: germline.
Comment: This variant was observed in the ICSL laboratory as part of a predisposition screen in an ostensibly healthy population. It had not been previously curated by ICSL or reported in the Human Gene Mutation Database (HGMD: prior to June 1st, 2018), and was therefore a candidate for classification through an automated scoring system. Utilizing variant allele frequency, disease prevalence and penetrance estimates, and inheritance mode, an automated score was calculated to assess if this variant is too frequent to cause the disease. Based on the score and internal cut-off values, a variant classified as benign is not then subjected to further curation. The score for this variant resulted in a classification of benign for this disease.

Breakthrough Genomics
Classification: Benign. Review status: criteria provided, single submitter. Criteria: ACMG Guidelines, 2015. Collection method: not provided. Allele origin: germline. Inheritance: Autosomal recessive inheritance. Affected: yes.

PreventionGenetics, part of Exact Sciences
Classification: Benign for HAL-related condition. Last evaluated: 2019-10-16. Review status: no assertion criteria provided. Collection method: clinical testing. Allele origin: germline. Not counted in ClinVar's aggregate classification.
Comment: This variant is classified as benign based on ACMG/AMP sequence variant interpretation guidelines (Richards et al. 2015 PMID: 25741868, with internal and published modifications).